The following is an entry in ClinVar:

ClinVar aggregate classification (germline): Uncertain significance. Review status: criteria provided, multiple submitters, no conflicts (2 of 4 stars). 2 submissions from 2 submitters: Uncertain significance (2). Last evaluated 2019-12-11.

Conditions:
Bethlem myopathy 1A. Also called: Bethlem Muscular Dystrophy; Bethlem myopathy 1; MYOPATHY, BENIGN CONGENITAL, WITH CONTRACTURES. Identifiers: Orphanet 610, MedGen CN029274, MONDO:0024530, OMIM 158810.

Submissions (2):

Labcorp Genetics (formerly Invitae), Labcorp
Classification: Uncertain significance for Bethlem myopathy 1A. Last evaluated: 2019-12-11. Review status: criteria provided, single submitter. Criteria: Invitae Variant Classification Sherloc (09022015). Collection method: clinical testing. Allele origin: germline.
Comment: This sequence change replaces glutamic acid with glutamine at codon 695 of the COL6A2 protein (p.Glu695Gln). The glutamic acid residue is highly conserved and there is a small physicochemical difference between glutamic acid and glutamine. This variant is not present in population databases (ExAC no frequency). This variant has not been reported in the literature in individuals with COL6A2-related conditions. ClinVar contains an entry for this variant (Variation ID: 598299). Algorithms developed to predict the effect of missense changes on protein structure and function are either unavailable or do not agree on the potential impact of this missense change (SIFT: "Tolerated"; PolyPhen-2: "Probably Damaging"; Align-GVGD: "Class C0"). In summary, the available evidence is currently insufficient to determine the role of this variant in disease. Therefore, it has been classified as a Variant of Uncertain Significance.

Eurofins Ntd Llc (ga)
Classification: Uncertain significance. Last evaluated: 2018-08-10. Review status: criteria provided, single submitter. Criteria: EGL ClinVar v180209 classification definitions. Collection method: clinical testing. Allele origin: germline. Observed: 1 variant allele, 1 heterozygote.

NM_001849.4(COL6A2):c.2083G>C (p.Glu695Gln)

Gene: COL6A2 (collagen type VI alpha 2 chain; plus strand). Cytogenetic location: 21q22.3.
Variant type: single nucleotide variant.
Coding change: c.2083G>C on transcript NM_001849.4 (MANE Select); coding-DNA position 2083, G replaced by C.
Protein change: p.Glu695Gln; replaces glutamic acid 695 with glutamine.
Molecular consequence: missense variant.
Genome position (GRCh38, 1-based): chr21:46,125,898, G>C. VCF-style: chr21-46125898-G-C. GRCh37 (hg19) VCF-style: chr21-47545812-G-C.
Other names: c.2083G>C, p.Glu695Gln (NM_058174.3, NM_058175.3); short protein forms E695Q.
Identifiers: ClinVar variation 598299 (VCV000598299.14), dbSNP rs377376395, ClinGen allele CA410541473.
Genomic context (GRCh38, chr21:46,125,898, plus strand): 5'-CAGCTGGACGACGAACGTATCGACTCCCTGTCGAGCTTCAAGGAGGCTGTCAAGAACCTC[G>C]AGTGGATTGCGGGCGGCACCTGGACACCCTCAGCCCTCAAGTTTGCCTACGACCGCCTCA-3'
Protein context (NP_001840.3, residues 685-705): SSFKEAVKNL[Glu695Gln]WIAGGTWTPS